The following is an entry in ClinVar:

ClinVar aggregate classification (germline): Uncertain significance (1 of 4 stars; one submission).

Allele frequency attached by ClinVar (database versions not stated): ExAC 0.00001; gnomAD 0.00001.
gnomAD v4.1: 3 of 1,613,726 alleles (0.00019%); highest among the groups gnomAD compares: African/African-American, 0.0027%; no homozygotes.

Submission:

Labcorp Genetics (formerly Invitae), Labcorp
Classification: Uncertain significance. Last evaluated: 2023-03-02. Review status: criteria provided, single submitter. Criteria: Invitae Variant Classification Sherloc (09022015). Collection method: clinical testing. Allele origin: germline.
Comment: In summary, the available evidence is currently insufficient to determine the role of this variant in disease. Therefore, it has been classified as a Variant of Uncertain Significance. An algorithm developed to predict the effect of missense changes on protein structure and function (PolyPhen-2) suggests that this variant is likely to be disruptive. This variant has not been reported in the literature in individuals affected with TRAK1-related conditions. This variant is present in population databases (rs768244951, gnomAD 0.008%). This sequence change replaces arginine, which is basic and polar, with glutamine, which is neutral and polar, at codon 361 of the TRAK1 protein (p.Arg361Gln).

NM_001042646.3(TRAK1):c.1082G>A (p.Arg361Gln)

Genes: TRAK1 (trafficking kinesin protein 1; plus strand), LOC129936554 (ATAC-STARR-seq lymphoblastoid active region 19739; plus strand). Cytogenetic location: 3p22.1.
Variant type: single nucleotide variant.
Coding change: c.1082G>A on transcript NM_001042646.3 (MANE Select); coding-DNA position 1082, G replaced by A.
Protein change: p.Arg361Gln; replaces arginine 361 with glutamine.
Molecular consequence: missense variant. On other transcripts: non-coding transcript variant (1).
Genome position (GRCh38, 1-based): chr3:42,194,910, G>A. VCF-style: chr3-42194910-G-A. GRCh37 (hg19) VCF-style: chr3-42236402-G-A.
Other names: c.1082G>A, p.Arg361Gln (NM_001265608.2, NM_001349246.2, NM_001349247.2); c.860G>A, p.Arg287Gln (NM_001265609.2, NM_001265610.1, NM_001349248.1 and 1 more transcripts); c.770G>A, p.Arg257Gln (NM_001349245.1); c.908G>A, p.Arg303Gln (NM_001410741.1, NM_014965.5); short protein forms R361Q, R257Q, R287Q, R303Q.
Identifiers: ClinVar variation 3023076 (VCV003023076.3), dbSNP rs768244951, ClinGen allele CA2333362.